The following is an entry in ClinVar:

NM_015073.3(SIPA1L3):c.146C>T (p.Pro49Leu)

Gene: SIPA1L3 (signal induced proliferation associated 1 like 3; plus strand). Cytogenetic location: 19q13.13.
Variant type: single nucleotide variant.
Coding change: c.146C>T on transcript NM_015073.3 (MANE Select); coding-DNA position 146, C replaced by T.
Protein change: p.Pro49Leu; replaces proline 49 with leucine.
Molecular consequence: missense variant.
Genome position (GRCh38, 1-based): chr19:38,081,711, C>T. VCF-style: chr19-38081711-C-T. GRCh37 (hg19) VCF-style: chr19-38572351-C-T.
Other names: short protein forms P49L.
Identifiers: ClinVar variation 4770002 (VCV004770002.1).
Genomic context (GRCh38, chr19:38,081,711, plus strand): 5'-CACACACAGGGGACTACGCTCCCTTGGGATTCTGGGCCCAGAATGGCAGCATGTCCCAGC[C>T]TCTTGGCGAGAGCCCGGCCACCGCCACCGCCACCGCCACCGCCACCACCCGCCCCAGCCC-3'
Protein context (NP_055888.1, residues 39-59): FWAQNGSMSQ[Pro49Leu]LGESPATATA

ClinVar aggregate classification (germline): Uncertain significance (1 of 4 stars; one submission).

gnomAD v4.1: 5 of 1,609,588 alleles (0.00031%); highest among the groups gnomAD compares: African/African-American, 0.004%; no homozygotes.

Submission:

Labcorp Genetics (formerly Invitae), Labcorp
Classification: Uncertain significance. Last evaluated: 2025-08-04. Review status: criteria provided, single submitter. Criteria: Invitae Variant Classification Sherloc (09022015). Collection method: clinical testing. Allele origin: germline.
Comment: This sequence change replaces proline, which is neutral and non-polar, with leucine, which is neutral and non-polar, at codon 49 of the SIPA1L3 protein (p.Pro49Leu). This variant is present in population databases (no rsID available, gnomAD 0.001%). This variant has not been reported in the literature in individuals affected with SIPA1L3-related conditions. An algorithm developed to predict the effect of missense changes on protein structure and function (PolyPhen-2) suggests that this variant is likely to be tolerated. In summary, the available evidence is currently insufficient to determine the role of this variant in disease. Therefore, it has been classified as a Variant of Uncertain Significance.